The following is an entry in ClinVar:

NM_007294.4(BRCA1):c.5488G>A (p.Ala1830Thr)

Gene: BRCA1 (BRCA1 DNA repair associated; minus strand). Cytogenetic location: 17q21.31.
Variant type: single nucleotide variant.
Coding change: c.5488G>A on transcript NM_007294.4 (MANE Select); coding-DNA position 5488, G replaced by A.
Protein change: p.Ala1830Thr; replaces alanine 1830 with threonine.
Molecular consequence: missense variant. On other transcripts: 3 prime UTR variant (1), non-coding transcript variant (1).
Genome position (GRCh38, 1-based): chr17:43,045,782, C>T on the plus strand (G>A on the coding strand, the complement: BRCA1 is on the minus strand). VCF-style: chr17-43045782-C-T. GRCh37 (hg19) VCF-style: chr17-41197799-C-T.
Other names: c.5482G>A, p.Ala1828Thr (NM_001407637.1, NM_001407638.1, NM_001407639.1 and 13 more transcripts); c.5479G>A, p.Ala1827Thr (NM_001407644.1, NM_001407645.1); c.5347G>A, p.Ala1783Thr (NM_001407696.1, NM_001407697.1, NM_001407698.1 and 12 more transcripts); c.5485G>A, p.Ala1829Thr (NM_001407616.1, NM_001407617.1, NM_001407618.1 and 14 more transcripts); c.5407G>A, p.Ala1803Thr (NM_001407657.1, NM_001407658.1, NM_001407656.1); c.5404G>A, p.Ala1802Thr (NM_001407659.1, NM_001407660.1, NM_001407661.1 and 2 more transcripts); c.5365G>A, p.Ala1789Thr (NM_001407664.1, NM_001407665.1, NM_001407666.1 and 3 more transcripts); c.5362G>A, p.Ala1788Thr (NM_001407676.1, NM_001407677.1, NM_001407678.1 and 8 more transcripts); and 74 more; short protein forms A1830T, A726T, A1851T, A1783T, A1661T, A1676T, A1703T, A1717T.
Identifiers: ClinVar variation 55594 (VCV000055594.17), dbSNP rs80357393, ClinGen allele CA003657.

ClinVar aggregate classification (germline): Conflicting classifications of pathogenicity. Review status: criteria provided, conflicting classifications (1 of 4 stars). 4 submissions from 4 submitters: Uncertain significance (1); Likely benign (1). 2 of the submissions do not count toward it. Last evaluated 2022-03-20.

Conditions:
Breast-ovarian cancer, familial, susceptibility to, 1 (BROVCA1). Also called: BRCA1 Hereditary Breast and Ovarian Cancer; OVARIAN CANCER, SUSCEPTIBILITY TO. Identifiers: Orphanet 145, MedGen C2676676, MONDO:0011450, OMIM 604370. Disease mechanism: loss of function.
Hereditary cancer-predisposing syndrome. Also called: Hereditary Cancer Syndrome; Hereditary neoplastic syndrome; Neoplastic Syndromes, Hereditary; Tumor predisposition. Identifiers: Orphanet 140162, MedGen C0027672, MeSH D009386, MONDO:0015356.
Hereditary breast ovarian cancer syndrome. Also called: BRCA1- and BRCA2-Associated Hereditary Breast and Ovarian Cancer; Hereditary breast and ovarian cancer syndrome; Hereditary breast and ovarian cancer syndrome (HBOC); Breast and ovarian cancer; Hereditary breast and/or ovarian cancer syndrome; Hereditary breast and ovarian cancer. Identifiers: Orphanet 145, MedGen C0677776, MeSH D061325, MONDO:0003582. Disease mechanism: loss of function.

Allele frequency attached by ClinVar (database versions not stated): gnomAD exomes below 0.00001; ExAC 0.00001.

Submissions (5):

Labcorp Genetics (formerly Invitae), Labcorp
Classification: Uncertain significance for Hereditary breast ovarian cancer syndrome. Last evaluated: 2022-03-20. Review status: criteria provided, single submitter. Criteria: Invitae Variant Classification Sherloc (09022015). Collection method: clinical testing. Allele origin: germline.
Comment: This variant is present in population databases (rs80357393, gnomAD 0.0009%). In summary, the available evidence is currently insufficient to determine the role of this variant in disease. Therefore, it has been classified as a Variant of Uncertain Significance. Experimental studies have shown that this missense change does not substantially affect BRCA1 function (PMID: 20516115, 30209399). Advanced modeling of protein sequence and biophysical properties (such as structural, functional, and spatial information, amino acid conservation, physicochemical variation, residue mobility, and thermodynamic stability) performed at Invitae indicates that this missense variant is not expected to disrupt BRCA1 protein function. ClinVar contains an entry for this variant (Variation ID: 55594). This missense change has been observed in individual(s) with clinical features of BRCA1-related conditions (PMID: 10923033). This sequence change replaces alanine, which is neutral and non-polar, with threonine, which is neutral and polar, at codon 1830 of the BRCA1 protein (p.Ala1830Thr).

Ambry Genetics
Classification: Likely benign for Hereditary cancer-predisposing syndrome. Last evaluated: 2020-07-20. Review status: criteria provided, single submitter. Criteria: Ambry Variant Classification Scheme 2023. Collection method: clinical testing. Allele origin: germline.

BRCAlab, Lund University
Classification: Uncertain significance for Breast-ovarian cancer, familial, susceptibility to, 1. Last evaluated: 2020-03-02. Review status: no assertion criteria provided. Collection method: clinical testing. Allele origin: germline. Affected: yes. Not counted in ClinVar's aggregate classification.

Breast Cancer Information Core (BIC) (BRCA1)
Classification: Uncertain significance for Breast-ovarian cancer, familial 1. Last evaluated: 2004-02-20. Review status: no assertion criteria provided. Collection method: clinical testing. Allele origin: germline. Affected: yes. Observed: 1 variant allele. Not counted in ClinVar's aggregate classification.

Brotman Baty Institute, University of Washington
No classification provided (evidence only). Condition: Breast-ovarian cancer, familial 1. Review status: no classification provided. Collection method: in vitro. Allele origin: not applicable. Functional consequence: functionally_normal. Not counted in ClinVar's aggregate classification.
ClinVar note: "not provided" was previously submitted as the classification for the variant. However, the classification appeared to be based only on an observation of functional data so it was converted to no classification on 2025-07-30.

Literature cited by the submitters: PubMed 20516115 (cited by Labcorp Genetics (formerly Invitae), Labcorp and Ambry Genetics); PubMed 30209399 (cited by Labcorp Genetics (formerly Invitae), Labcorp and Ambry Genetics); PubMed 10923033 (cited by Labcorp Genetics (formerly Invitae), Labcorp); PubMed 16267036 (cited by Ambry Genetics); PubMed 17305420 (cited by Ambry Genetics); PubMed 21447777 (cited by Ambry Genetics).